The following is an entry in ClinVar:

NM_014334.4(FRRS1L):c.62del (p.Thr21fs)

Gene: FRRS1L (ferric chelate reductase 1 like; minus strand). Cytogenetic location: 9q31.3.
Variant type: Deletion.
Coding change: c.62del on transcript NM_014334.4 (MANE Select); coding-DNA position 62, one base deleted (C; older notation c.62delC).
Protein change: p.Thr21fs; shifts the reading frame from threonine 21.
Molecular consequence: frameshift variant.
Genome position (GRCh38, 1-based): chr9:109,167,077, G deleted on the plus strand (C on the coding strand, the reverse complement: FRRS1L is on the minus strand). VCF-style (leftmost placement, unchanged base first): chr9-109167076-CG-C. GRCh37 (hg19) VCF-style: chr9-111929356-CG-C.
Other names: short protein forms T21fs.
Identifiers: ClinVar variation 1458310 (VCV001458310.6), dbSNP rs1382090523, ClinGen allele CA858499140.

ClinVar aggregate classification (germline): Pathogenic (1 of 4 stars; one submission).

Conditions:
Developmental and epileptic encephalopathy, 37 (DEE37). Also called: Epileptic encephalopathy, early infantile, 37. Identifiers: MedGen C4310770, MONDO:0014859, OMIM 616981.

Allele frequency attached by ClinVar (database versions not stated): TOPMed below 0.00001.

Submission:

Labcorp Genetics (formerly Invitae), Labcorp
Classification: Pathogenic for Developmental and epileptic encephalopathy, 37. Last evaluated: 2020-11-24. Review status: criteria provided, single submitter. Criteria: Invitae Variant Classification Sherloc (09022015). Collection method: clinical testing. Allele origin: germline.
Comment: For these reasons, this variant has been classified as Pathogenic. This variant has not been reported in the literature in individuals with FRRS1L-related conditions. The frequency data for this variant in the population databases is considered unreliable, as metrics indicate insufficient coverage at this position in the ExAC database. This sequence change creates a premature translational stop signal (p.Thr72Argfs*107) in the FRRS1L gene. It is expected to result in an absent or disrupted protein product. Loss-of-function variants in FRRS1L are known to be pathogenic (PMID: 27236917).

Literature cited by the submitters: PubMed 27236917.